The following is an entry in ClinVar:

ClinVar aggregate classification (germline): Uncertain significance. Review status: criteria provided, multiple submitters, no conflicts (2 of 4 stars). 2 submissions from 2 submitters: Uncertain significance (2). Last evaluated 2025-09-25.

Conditions:
H syndrome. Also called: HISTIOCYTOSIS AND LYMPHADENOPATHY WITH OR WITHOUT CUTANEOUS, CARDIAC, AND/OR ENDOCRINE FEATURES, JOINT CONTRACTURES, AND/OR DEAFNESS; HYPERPIGMENTATION, CUTANEOUS, WITH HYPERTRICHOSIS, HEPATOSPLENOMEGALY, HEART ANOMALIES, AND HYPOGONADISM WITH OR WITHOUT HEARING LOSS; PIGMENTED HYPERTRICHOSIS WITH INSULIN-DEPENDENT DIABETES MELLITUS; ROSAI-DORFMAN DISEASE, FAMILIAL; SINUS HISTIOCYTOSIS AND MASSIVE LYMPHADENOPATHY; Pigmented hypertrichosis and insulin-dependent diabetes mellitus. Identifiers: Orphanet 168569, MedGen C1864445, MONDO:0011273, OMIM 602782.
Inborn genetic diseases. Identifiers: MedGen C0950123, MeSH D030342.

Allele frequency attached by ClinVar (database versions not stated): gnomAD exomes 0.00006 and 0.00003; gnomAD 0.00002; ExAC 0.00004.
gnomAD v4.1: 18 of 1,613,800 alleles (0.0011%); highest among the groups gnomAD compares: Admixed American, 0.03%; no homozygotes.

Submissions (2):

Ambry Genetics
Classification: Uncertain significance for Inborn genetic diseases. Last evaluated: 2025-09-25. Review status: criteria provided, single submitter. Criteria: Ambry Variant Classification Scheme 2023. Collection method: clinical testing. Allele origin: germline.

Labcorp Genetics (formerly Invitae), Labcorp
Classification: Uncertain significance for H syndrome. Last evaluated: 2022-08-23. Review status: criteria provided, single submitter. Criteria: Invitae Variant Classification Sherloc (09022015). Collection method: clinical testing. Allele origin: germline.
Comment: This sequence change replaces serine, which is neutral and polar, with phenylalanine, which is neutral and non-polar, at codon 86 of the SLC29A3 protein (p.Ser86Phe). This variant is present in population databases (rs770658371, gnomAD 0.04%). This variant has not been reported in the literature in individuals affected with SLC29A3-related conditions. ClinVar contains an entry for this variant (Variation ID: 1409660). Algorithms developed to predict the effect of missense changes on protein structure and function are either unavailable or do not agree on the potential impact of this missense change (SIFT: "Tolerated"; PolyPhen-2: "Possibly Damaging"; Align-GVGD: "Class C0"). In summary, the available evidence is currently insufficient to determine the role of this variant in disease. Therefore, it has been classified as a Variant of Uncertain Significance.

NM_018344.6(SLC29A3):c.257C>T (p.Ser86Phe)

Gene: SLC29A3 (solute carrier family 29 member 3; plus strand). Cytogenetic location: 10q22.1.
Variant type: single nucleotide variant.
Coding change: c.257C>T on transcript NM_018344.6 (MANE Select); coding-DNA position 257, C replaced by T.
Protein change: p.Ser86Phe; replaces serine 86 with phenylalanine.
Molecular consequence: missense variant. On other transcripts: non-coding transcript variant (2).
Genome position (GRCh38, 1-based): chr10:71,323,011, C>T. VCF-style: chr10-71323011-C-T. GRCh37 (hg19) VCF-style: chr10-73082768-C-T.
Other names: c.257C>T (NM_018344.5); c.257C>T, p.Ser86Phe (NM_001174098.2); c.23C>T, p.Ser8Phe (NM_001363518.2); short protein forms S86F, S8F.
Identifiers: ClinVar variation 1409660 (VCV001409660.6), dbSNP rs770658371, ClinGen allele CA5542857.